The following is an entry in ClinVar:

ClinVar aggregate classification (germline): Benign. Review status: criteria provided, single submitter (1 of 4 stars). 2 submissions from 2 submitters: Benign (1). 1 of the submissions does not count toward it. Last evaluated 2025-05-01.

Conditions:
PFN1-related disorder. Also called: PFN1-related condition.

Allele frequency attached by ClinVar (database versions not stated): TOPMed 0.00003; gnomAD 0.00005 and 0.00009; ExAC 0.00016; gnomAD exomes 0.00016 and 0.00031; 1000 Genomes Project 30x 0.00047; 1000 Genomes Project 0.00060.

Submissions (2):

Labcorp Genetics (formerly Invitae), Labcorp
Classification: Benign. Last evaluated: 2025-05-01. Review status: criteria provided, single submitter. Criteria: Invitae Variant Classification Sherloc (09022015). Collection method: clinical testing. Allele origin: germline.

PreventionGenetics, part of Exact Sciences
Classification: Likely benign for PFN1-related condition. Last evaluated: 2022-10-19. Review status: no assertion criteria provided. Collection method: clinical testing. Allele origin: germline. Not counted in ClinVar's aggregate classification.
Comment: This variant is classified as likely benign based on ACMG/AMP sequence variant interpretation guidelines (Richards et al. 2015 PMID: 25741868, with internal and published modifications).

NM_005022.4(PFN1):c.417G>A (p.Gln139=)

Gene: PFN1 (profilin 1; minus strand). Cytogenetic location: 17p13.2.
Variant type: single nucleotide variant.
Coding change: c.417G>A on transcript NM_005022.4 (MANE Select); coding-DNA position 417, G replaced by A.
Protein change: p.Gln139=; no amino-acid change (glutamine 139 retained).
Molecular consequence: synonymous variant. On other transcripts: 3 prime UTR variant (1).
Genome position (GRCh38, 1-based): chr17:4,945,906, C>T on the plus strand (G>A on the coding strand, the complement: PFN1 is on the minus strand). VCF-style: chr17-4945906-C-T. GRCh37 (hg19) VCF-style: chr17-4849201-C-T.
Other names: c.*501G>A (NM_001375991.1); c.417G>A (NM_005022.3).
Identifiers: ClinVar variation 1601275 (VCV001601275.9), dbSNP rs2233657, ClinGen allele CA8315890.